The following is an entry in ClinVar:

ClinVar aggregate classification (germline): Pathogenic (1 of 4 stars; one submission).

Conditions:
Hereditary spastic paraplegia 4. Also called: Spastic Paraplegia 4; Spastic paraplegia 4, autosomal dominant; Familial spastic paraplegia autosomal dominant 2. Identifiers: Orphanet 100985, MedGen C1866855, MONDO:0008438, OMIM 182601.

Submission:

Labcorp Genetics (formerly Invitae), Labcorp
Classification: Pathogenic for Hereditary spastic paraplegia 4. Last evaluated: 2023-05-25. Review status: criteria provided, single submitter. Criteria: Invitae Variant Classification Sherloc (09022015). Collection method: clinical testing. Allele origin: germline.
Comment: This premature translational stop signal has been observed in individual(s) with hereditary spastic paraplegia (PMID: 27334366). For these reasons, this variant has been classified as Pathogenic. This variant is not present in population databases (gnomAD no frequency). This sequence change creates a premature translational stop signal (p.Lys315Glufs*4) in the SPAST gene. It is expected to result in an absent or disrupted protein product. Loss-of-function variants in SPAST are known to be pathogenic (PMID: 20932283).

Literature cited by the submitters: PubMed 27334366; PubMed 20932283.

NM_014946.4(SPAST):c.942dup (p.Lys315fs)

Gene: SPAST (spastin; plus strand). Cytogenetic location: 2p22.3.
Variant type: Duplication.
Coding change: c.942dup on transcript NM_014946.4 (MANE Select); coding-DNA position 942, one base duplicated (G; older notation c.942dupG).
Protein change: p.Lys315fs; shifts the reading frame from lysine 315.
Molecular consequence: frameshift variant.
Genome position (GRCh38, 1-based): chr2:32,115,773, G duplicated. VCF-style (leftmost placement, unchanged base first): chr2-32115772-T-TG. GRCh37 (hg19) VCF-style: chr2-32340841-T-TG.
Other names: c.939dup, p.Lys314fs (NM_001363823.2); c.843dup, p.Lys282fs (NM_001363875.2); c.846dup, p.Lys283fs (NM_001377959.1, NM_199436.2); short protein forms K283fs, K315fs, K314fs, K282fs.
Identifiers: ClinVar variation 2721023 (VCV002721023.3), dbSNP rs2465838597, ClinGen allele CA2697547985.